The following is an entry in ClinVar:

ClinVar aggregate classification (germline): Pathogenic/Likely pathogenic. Review status: criteria provided, multiple submitters, no conflicts (2 of 4 stars). 2 submissions from 2 submitters: Pathogenic (1); Likely pathogenic (1). Last evaluated 2024-05-03.

Conditions:
Retinitis pigmentosa 39 (RP39). Identifiers: Orphanet 791, MedGen C3151138, MONDO:0013436, OMIM 613809.
Usher syndrome type 2A. Also called: USHER SYNDROME, TYPE IIA; RETINAL DISEASE IN USHER SYNDROME TYPE IIA, MODIFIER OF. Identifiers: Orphanet 231178, Orphanet 886, MedGen C1848634, MONDO:0010169, OMIM 276901.

Submissions (2):

Fulgent Genetics
Classification: Likely pathogenic for Usher syndrome type 2A; Retinitis pigmentosa 39. Last evaluated: 2024-05-03. Review status: criteria provided, single submitter. Criteria: ACMG Guidelines, 2015. Collection method: clinical testing. Allele origin: germline.

Labcorp Genetics (formerly Invitae), Labcorp
Classification: Pathogenic. Last evaluated: 2022-03-08. Review status: criteria provided, single submitter. Criteria: Invitae Variant Classification Sherloc (09022015). Collection method: clinical testing. Allele origin: germline.
Comment: Algorithms developed to predict the effect of sequence changes on RNA splicing suggest that this variant may create or strengthen a splice site. This sequence change creates a premature translational stop signal (p.Tyr1216*) in the USH2A gene. It is expected to result in an absent or disrupted protein product. Loss-of-function variants in USH2A are known to be pathogenic (PMID: 10729113, 10909849, 20507924, 25649381). This variant is not present in population databases (gnomAD no frequency). This premature translational stop signal has been observed in individual(s) with USH2A-related conditions (PMID: 28944237). For these reasons, this variant has been classified as Pathogenic.

Literature cited by the submitters: PubMed 10729113 (cited by Labcorp Genetics (formerly Invitae), Labcorp); PubMed 10909849 (cited by Labcorp Genetics (formerly Invitae), Labcorp); PubMed 20507924 (cited by Labcorp Genetics (formerly Invitae), Labcorp); PubMed 25649381 (cited by Labcorp Genetics (formerly Invitae), Labcorp); PubMed 28944237 (cited by Labcorp Genetics (formerly Invitae), Labcorp).

NM_206933.4(USH2A):c.3648C>A (p.Tyr1216Ter)

Genes: USH2A (usherin; minus strand), USH2A-AS1 (USH2A antisense RNA 1; plus strand). Cytogenetic location: 1q41.
Variant type: single nucleotide variant.
Coding change: c.3648C>A on transcript NM_206933.4 (MANE Select); coding-DNA position 3648, C replaced by A.
Protein change: p.Tyr1216Ter; replaces tyrosine 1216 with a stop codon.
Molecular consequence: nonsense.
Genome position (GRCh38, 1-based): chr1:216,199,790, G>T on the plus strand (C>A on the coding strand, the complement: USH2A is on the minus strand). VCF-style: chr1-216199790-G-T. GRCh37 (hg19) VCF-style: chr1-216373132-G-T.
Other names: c.3648C>A, p.Tyr1216Ter (NM_007123.6); short protein forms Y1216*.
Identifiers: ClinVar variation 2202973 (VCV002202973.5), dbSNP rs147947402, ClinGen allele CA344867981.